The following is an entry in ClinVar:

ClinVar aggregate classification (germline): Conflicting classifications of pathogenicity. Review status: criteria provided, conflicting classifications (1 of 4 stars). 2 submissions from 2 submitters: Uncertain significance (1); Likely benign (1). Last evaluated 2021-06-02.

Conditions:
Hereditary cancer-predisposing syndrome. Also called: Hereditary Cancer Syndrome; Tumor predisposition; Neoplastic Syndromes, Hereditary; Hereditary neoplastic syndrome. Identifiers: Orphanet 140162, MedGen C0027672, MeSH D009386, MONDO:0015356.

Submissions (2):

GeneDx
Classification: Likely benign. Last evaluated: 2021-06-02. Review status: criteria provided, single submitter. Criteria: GeneDx Variant Classification Process June 2021. Collection method: clinical testing. Allele origin: germline. Affected: yes.
Comment: Not observed at significant frequency in large population cohorts (Lek et al., 2016); This variant is associated with the following publications: (PMID: 27535533)

Ambry Genetics
Classification: Uncertain significance for Hereditary cancer-predisposing syndrome. Last evaluated: 2021-04-30. Review status: criteria provided, single submitter. Criteria: Ambry Variant Classification Scheme 2023. Collection method: clinical testing. Allele origin: germline.
Comment: The c.-5_-3dupGCA variant is located in the 5 prime untranslated region (5'UTR) of the PTCH1 gene. This variant results from an duplication of 6 nucleotides at nucleotide positions -5 to -3 upstream from the first translated codon. This nucleotide region is well conserved in available vertebrate species. Since supporting evidence is limited at this time, the clinical significance of this alteration remains unclear.

NM_000264.5(PTCH1):c.-5_-3dup

Genes: PTCH1 (patched 1; minus strand), LOC130002133 (ATAC-STARR-seq lymphoblastoid silent region 20071; plus strand). Cytogenetic location: 9q22.32.
Variant type: Duplication.
Coding change: c.-5_-3dup on transcript NM_000264.5 (MANE Select); 5 bases upstream of the start codon through 3 bases upstream of the start codon, 3 bases duplicated (GCA; older notation c.-5_-3dupGCA).
Molecular consequence: 5 prime UTR variant. On other transcripts: non-coding transcript variant (1), intron variant (3).
Genome position (GRCh38, 1-based): chr9:95,508,364-95,508,366, TGC duplicated on the plus strand (GCA on the coding strand, the reverse complement: PTCH1 is on the minus strand). VCF-style (leftmost placement, unchanged base first): chr9-95508363-T-TTGC. GRCh37 (hg19) VCF-style: chr9-98270645-T-TTGC.
Other names: c.-5_-3dup (NM_001354918.2); c.199-1767_199-1765dup (NM_001083603.3); c.4-1767_4-1765dup (NM_001083602.3, NM_001354919.2).
Identifiers: ClinVar variation 1327398 (VCV001327398.4), dbSNP rs2118910919, ClinGen allele CA2573053213.